The following is an entry in ClinVar:

NM_002160.4(TNC):c.2673A>C (p.Thr891=)

Gene: TNC (tenascin C; minus strand). Cytogenetic location: 9q33.1.
Variant type: single nucleotide variant.
Coding change: c.2673A>C on transcript NM_002160.4 (MANE Select); coding-DNA position 2673, A replaced by C.
Protein change: p.Thr891=; no amino-acid change (threonine 891 retained).
Molecular consequence: synonymous variant.
Genome position (GRCh38, 1-based): chr9:115,077,944, T>G on the plus strand (A>C on the coding strand, the complement: TNC is on the minus strand). VCF-style: chr9-115077944-T-G. GRCh37 (hg19) VCF-style: chr9-117840223-T-G.
Other names: c.2673A>C, p.Thr891= (NM_001410991.1).
Identifiers: ClinVar variation 3058124 (VCV003058124.3), dbSNP rs527237713, ClinGen allele CA5208466.

ClinVar aggregate classification (germline): Likely benign. Review status: criteria provided, single submitter (1 of 4 stars). 2 submissions from 2 submitters: Likely benign (1). 1 of the submissions does not count toward it. Last evaluated 2023-11-10.

Conditions:
TNC-related disorder. Also called: TNC-related condition.

Allele frequency attached by ClinVar (database versions not stated): TOPMed 0.00002; gnomAD 0.00007; gnomAD exomes 0.00007; ExAC 0.00023; 1000 Genomes Project 0.00040; 1000 Genomes Project 30x 0.00047.
gnomAD v4.1: 121 of 1,613,500 alleles (0.0075%); highest among the groups gnomAD compares: South Asian, 0.13%; 1 homozygote.

Submissions (2):

Blueprint Genetics
Classification: Likely benign. Last evaluated: 2023-11-10. Review status: criteria provided, single submitter. Criteria: ACMG Guidelines, 2015. Collection method: clinical testing. Allele origin: germline.

PreventionGenetics, part of Exact Sciences
Classification: Likely benign for TNC-related condition. Last evaluated: 2020-03-10. Review status: no assertion criteria provided. Collection method: clinical testing. Allele origin: germline. Not counted in ClinVar's aggregate classification.
Comment: This variant is classified as likely benign based on ACMG/AMP sequence variant interpretation guidelines (Richards et al. 2015 PMID: 25741868, with internal and published modifications).